The following is an entry in ClinVar:

NM_007194.4(CHEK2):c.1328G>A (p.Gly443Glu)

Gene: CHEK2 (checkpoint kinase 2; minus strand). Cytogenetic location: 22q12.1.
Variant type: single nucleotide variant.
Coding change: c.1328G>A on transcript NM_007194.4 (MANE Select); coding-DNA position 1328, G replaced by A.
Protein change: p.Gly443Glu; replaces glycine 443 with glutamic acid.
Molecular consequence: missense variant.
Genome position (GRCh38, 1-based): chr22:28,695,174, C>T on the plus strand (G>A on the coding strand, the complement: CHEK2 is on the minus strand). VCF-style: chr22-28695174-C-T. GRCh37 (hg19) VCF-style: chr22-29091162-C-T.
Other names: c.1457G>A, p.Gly486Glu (NM_001005735.3); c.665G>A, p.Gly222Glu (NM_001257387.3); c.1127G>A, p.Gly376Glu (NM_001349956.3); c.1241G>A, p.Gly414Glu (NM_145862.3); short protein forms G222E, G414E, G486E, G376E, G443E.
Identifiers: ClinVar variation 1378560 (VCV001378560.12), dbSNP rs2145794064, ClinGen allele CA411095844.

ClinVar aggregate classification (germline): Uncertain significance. Review status: criteria provided, multiple submitters, no conflicts (2 of 4 stars). 3 submissions from 3 submitters: Uncertain significance (3). Last evaluated 2024-03-18.

Conditions:
Hereditary cancer-predisposing syndrome. Also called: Neoplastic Syndromes, Hereditary; Hereditary Cancer Syndrome; Tumor predisposition; Hereditary neoplastic syndrome. Identifiers: Orphanet 140162, MedGen C0027672, MeSH D009386, MONDO:0015356.
Familial cancer of breast. Also called: Hereditary breast cancer; BREAST CANCER, FAMILIAL; hereditary breast carcinoma. Identifiers: Orphanet 227535, MedGen C0346153, MONDO:0016419, OMIM 114480. Disease mechanism: loss of function.

Allele frequency attached by ClinVar (database versions not stated): gnomAD exomes below 0.00001.
gnomAD v4.1: 1 of 1,613,544 alleles (0.000062%); highest among the groups gnomAD compares: Middle Eastern, 0.017%; no homozygotes.

Submissions (3):

Baylor Genetics
Classification: Uncertain significance for Familial cancer of breast. Last evaluated: 2024-03-18. Review status: criteria provided, single submitter. Criteria: ACMG Guidelines, 2015. Collection method: clinical testing. Allele origin: unknown.

Labcorp Genetics (formerly Invitae), Labcorp
Classification: Uncertain significance for Familial cancer of breast. Last evaluated: 2023-06-14. Review status: criteria provided, single submitter. Criteria: Invitae Variant Classification Sherloc (09022015). Collection method: clinical testing. Allele origin: germline.
Comment: In summary, the available evidence is currently insufficient to determine the role of this variant in disease. Therefore, it has been classified as a Variant of Uncertain Significance. An algorithm developed to predict the effect of missense changes on protein structure and function (PolyPhen-2) suggests that this variant is likely to be disruptive. ClinVar contains an entry for this variant (Variation ID: 1378560). This variant has not been reported in the literature in individuals affected with CHEK2-related conditions. This variant is not present in population databases (gnomAD no frequency). This sequence change replaces glycine, which is neutral and non-polar, with glutamic acid, which is acidic and polar, at codon 443 of the CHEK2 protein (p.Gly443Glu).

Ambry Genetics
Classification: Uncertain significance for Hereditary cancer-predisposing syndrome. Last evaluated: 2020-08-25. Review status: criteria provided, single submitter. Criteria: Ambry Variant Classification Scheme 2023. Collection method: clinical testing. Allele origin: germline.
Comment: The p.G443E variant (also known as c.1328G>A), located in coding exon 11 of the CHEK2 gene, results from a G to A substitution at nucleotide position 1328. The glycine at codon 443 is replaced by glutamic acid, an amino acid with similar properties. This amino acid position is highly conserved in available vertebrate species. In addition, this alteration is predicted to be deleterious by in silico analysis. Since supporting evidence is limited at this time, the clinical significance of this alteration remains unclear.